The following is an entry in ClinVar:

ClinVar aggregate classification (germline): Pathogenic (1 of 4 stars; one submission).

Conditions:
Pontoneocerebellar hypoplasia. Also called: Pontocerebellar hypoplasia; Non-syndromic pontocerebellar hypoplasia. Identifiers: Orphanet 98523, MedGen C1261175, MONDO:0020135.

Submission:

Department of Medical Genetics, Sanjay Gandhi Post Graduate Institute of Medical Sciences
Classification: Pathogenic for Pontocerebellar hypoplasia. Review status: criteria provided, single submitter. Criteria: ACMG Guidelines, 2015. Collection method: clinical testing. Allele origin: germline. Inheritance: Autosomal recessive inheritance. Affected: yes. Observed: 1 homozygote.
Comment: The frameshift variation c.1027_1028del in MINPP1 gene is not reported in mutation databases like ClinVar, HGMD and is also absent from population databases (ExAC, 1000G, gnomAD and in house data of 727 exome). Variations in MINPP1 have been reported to cause Pontocerebellar hypoplasia (PMID: 33257696 and PMID: 33168985).

NM_004897.5(MINPP1):c.1027_1028del (p.Ile343fs)

Gene: MINPP1 (multiple inositol-polyphosphate phosphatase 1; plus strand). Cytogenetic location: 10q23.2.
Variant type: Microsatellite.
Coding change: c.1027_1028del on transcript NM_004897.5 (MANE Select); coding-DNA positions 1027 to 1028, 2 bases deleted (AT; older notation c.1027_1028delAT).
Protein change: p.Ile343fs; shifts the reading frame from isoleucine 343.
Molecular consequence: frameshift variant. On other transcripts: intron variant (1).
Genome position (GRCh38, 1-based): chr10:87,521,129-87,521,130, AT deleted; deleting any 2 consecutive bases within chr10:87,521,127-87,521,130 gives the same sequence; the c. name uses the placement nearest the transcript's 3' end. VCF-style (leftmost placement, unchanged base first): chr10-87521126-GAT-G. GRCh37 (hg19) VCF-style: chr10-89280883-GAT-G.
Other names: c.424_425del, p.Ile142fs (NM_001178118.2); c.835+12596_835+12597del (NM_001178117.2); short protein forms I142fs, I343fs.
Identifiers: ClinVar variation 1300179 (VCV001300179.3), dbSNP rs2131815084, ClinGen allele CA2580615541.